The following is an entry in ClinVar:

NM_024911.7(WLS):c.136A>T (p.Met46Leu)

Genes: GNG12-AS1 (GNG12, DIRAS3 and WLS antisense RNA 1; plus strand), WLS (Wnt ligand secretion mediator; minus strand). Cytogenetic location: 1p31.3.
Variant type: single nucleotide variant.
Coding change: c.136A>T on transcript NM_024911.7 (MANE Select); coding-DNA position 136, A replaced by T.
Protein change: p.Met46Leu; replaces methionine 46 with leucine.
Molecular consequence: missense variant. On other transcripts: intron variant (1).
Genome position (GRCh38, 1-based): chr1:68,194,198, T>A on the plus strand (A>T on the coding strand, the complement: WLS is on the minus strand). VCF-style: chr1-68194198-T-A. GRCh37 (hg19) VCF-style: chr1-68659881-T-A.
Other names: c.130A>T, p.Met44Leu (NM_001002292.4); c.107-34951A>T (NM_001193334.1); short protein forms M44L, M46L.
Identifiers: ClinVar variation 4854344 (VCV004854344.1).
Genomic context (GRCh38, chr1:68,194,198, plus strand): 5'-AAGGCACGAACCATTTTGTCTTGTGATGGTTCTTACGGGCATCCACACATTTCACCGACA[T>A]GTAGGACACTGCCGTTGTGGGCCCTGGAGCTGAAAAGAGAAAGTTTGTCTGTTTTAGAAA-3'
Protein context (NP_079187.3, residues 36-56): APGPTTAVSY[Met46Leu]SVKCVDARKN

ClinVar aggregate classification (germline): Uncertain significance (1 of 4 stars; one submission).

Conditions:
Zaki syndrome. Also called: MICROCEPHALY, PROGRESSIVE, WITH DEVELOPMENTAL DELAY, CUPPED EARS, AND DYSMORPHIC FEATURES. Identifiers: MedGen C5562037, MONDO:0859209, OMIM 619648.

gnomAD v4.1: 14 of 1,614,090 alleles (0.00087%); highest among the groups gnomAD compares: East Asian, 0.029%; no homozygotes.

Submission:

3billion
Classification: Uncertain significance for Zaki syndrome. Last evaluated: 2025-11-17. Review status: criteria provided, single submitter. Criteria: ACMG Guidelines, 2015. Collection method: clinical testing. Allele origin: germline. Affected: yes.
Comment: The variant is observed at an extremely low frequency in the gnomAD v4.1.0 dataset (total allele frequency: <0.001%). Predicted Consequence/Location: Missense variant In silico tool predictions suggest damaging effect of the variant on gene or gene product [3Cnet: 0.93 (> 0.75, sensitivity 0.96 and precision 0.92)]. Therefore, this variant is classified as VUS according to the recommendation of ACMG/AMP guideline.